The following is an entry in ClinVar:

ClinVar aggregate classification (germline): Uncertain significance (1 of 4 stars; one submission).

Allele frequency attached by ClinVar (database versions not stated): gnomAD exomes below 0.00001; TOPMed below 0.00001; gnomAD 0.00001.
gnomAD v4.1: 7 of 1,596,664 alleles (0.00044%); highest among the groups gnomAD compares: Non-Finnish European, 0.0006%; no homozygotes.

Submission:

Ambry Genetics
Classification: Uncertain significance. Last evaluated: 2024-11-17. Review status: criteria provided, single submitter. Criteria: Ambry Variant Classification Scheme 2023. Collection method: clinical testing. Allele origin: germline.
Comment: The p.K143Q variant (also known as c.427A>C), located in coding exon 3 of the MNDA gene, results from an A to C substitution at nucleotide position 427. The lysine at codon 143 is replaced by glutamine, an amino acid with similar properties. This amino acid position is conserved. In addition, this alteration is predicted to be tolerated by in silico analysis. Since supporting evidence is limited at this time, the clinical significance of this alteration remains unclear.

NM_002432.3(MNDA):c.427A>C (p.Lys143Gln)

Gene: MNDA (myeloid cell nuclear differentiation antigen; plus strand). Cytogenetic location: 1q23.1.
Variant type: single nucleotide variant.
Coding change: c.427A>C on transcript NM_002432.3 (MANE Select); coding-DNA position 427, A replaced by C.
Protein change: p.Lys143Gln; replaces lysine 143 with glutamine.
Molecular consequence: missense variant.
Genome position (GRCh38, 1-based): chr1:158,843,979, A>C. VCF-style: chr1-158843979-A-C. GRCh37 (hg19) VCF-style: chr1-158813769-A-C.
Other names: short protein forms K143Q.
Identifiers: ClinVar variation 1739319 (VCV001739319.3), dbSNP rs1659083220, ClinGen allele CA343039175.